The following is an entry in ClinVar:

NM_152383.5(DIS3L2):c.86G>T (p.Gly29Val)

Gene: DIS3L2 (DIS3 like 3'-5' exoribonuclease 2; plus strand). Cytogenetic location: 2q37.1.
Variant type: single nucleotide variant.
Coding change: c.86G>T on transcript NM_152383.5 (MANE Select); coding-DNA position 86, G replaced by T.
Protein change: p.Gly29Val; replaces glycine 29 with valine.
Molecular consequence: missense variant. On other transcripts: non-coding transcript variant (2).
Genome position (GRCh38, 1-based): chr2:232,015,547, G>T. VCF-style: chr2-232015547-G-T. GRCh37 (hg19) VCF-style: chr2-232880257-G-T.
Other names: c.86G>T, p.Gly29Val (NM_001257281.2, NM_001257282.2); short protein forms G29V.
Identifiers: ClinVar variation 661593 (VCV000661593.8), dbSNP rs369080386, ClinGen allele CA351151872.

ClinVar aggregate classification (germline): Uncertain significance (1 of 4 stars; one submission).

Conditions:
Perlman syndrome (PRLMNS). Identifiers: Orphanet 2849, MedGen C0796113, MONDO:0009965, OMIM 267000.

gnomAD v4.1: 3 of 1,614,040 alleles (0.00019%); highest among the groups gnomAD compares: Non-Finnish European, 0.00025%; no homozygotes.

Submission:

Labcorp Genetics (formerly Invitae), Labcorp
Classification: Uncertain significance for Perlman syndrome. Last evaluated: 2018-08-28. Review status: criteria provided, single submitter. Criteria: Invitae Variant Classification Sherloc (09022015). Collection method: clinical testing. Allele origin: germline.
Comment: This variant has not been reported in the literature in individuals with DIS3L2-related disease. This variant is not present in population databases (ExAC no frequency). This sequence change replaces glycine with valine at codon 29 of the DIS3L2 protein (p.Gly29Val). The glycine residue is weakly conserved and there is a moderate physicochemical difference between glycine and valine. Algorithms developed to predict the effect of missense changes on protein structure and function (SIFT, PolyPhen-2, Align-GVGD) all suggest that this variant is likely to be tolerated, but these predictions have not been confirmed by published functional studies and their clinical significance is uncertain. In summary, the available evidence is currently insufficient to determine the role of this variant in disease. Therefore, it has been classified as a Variant of Uncertain Significance.